The following is an entry in ClinVar:

ClinVar aggregate classification (germline): Uncertain significance (1 of 4 stars; one submission).

Conditions:
Familial thoracic aortic aneurysm and aortic dissection (TAAD). Also called: Thoracic aortic aneurysms and dissections. Identifiers: Orphanet 91387, MedGen C4707243, MONDO:0019625.

Submission:

Ambry Genetics
Classification: Uncertain significance for Familial thoracic aortic aneurysm and aortic dissection. Last evaluated: 2025-05-05. Review status: criteria provided, single submitter. Criteria: Ambry Variant Classification Scheme 2023. Collection method: clinical testing. Allele origin: germline.
Comment: The p.S679N variant (also known as c.2036G>A), located in coding exon 12 of the MYLK gene, results from a G to A substitution at nucleotide position 2036. The serine at codon 679 is replaced by asparagine, an amino acid with highly similar properties. This amino acid position is conserved. In addition, this alteration is predicted to be tolerated by in silico analysis. Based on the available evidence, the clinical significance of this variant remains unclear.

NM_053025.4(MYLK):c.2036G>A (p.Ser679Asn)

Gene: MYLK (myosin light chain kinase; minus strand). Cytogenetic location: 3q21.1.
Variant type: single nucleotide variant.
Coding change: c.2036G>A on transcript NM_053025.4 (MANE Select); coding-DNA position 2036, G replaced by A.
Protein change: p.Ser679Asn; replaces serine 679 with asparagine.
Molecular consequence: missense variant.
Genome position (GRCh38, 1-based): chr3:123,708,802, C>T on the plus strand (G>A on the coding strand, the complement: MYLK is on the minus strand). VCF-style: chr3-123708802-C-T. GRCh37 (hg19) VCF-style: chr3-123427649-C-T.
Other names: c.1508G>A, p.Ser503Asn (NM_001321309.2); c.1829G>A, p.Ser610Asn (NM_053026.4, NM_053028.4); c.2036G>A, p.Ser679Asn (NM_053027.4); short protein forms S679N, S503N, S610N.
Identifiers: ClinVar variation 3915769 (VCV003915769.1).